The following is an entry in ClinVar:

ClinVar aggregate classification (germline): Uncertain significance (1 of 4 stars; one submission).

Conditions:
DNA ligase IV deficiency. Identifiers: Orphanet 99812, MedGen C1847827, MONDO:0011686, OMIM 606593.

Submission:

Labcorp Genetics (formerly Invitae), Labcorp
Classification: Uncertain significance for DNA ligase IV deficiency. Last evaluated: 2026-01-08. Review status: criteria provided, single submitter. Criteria: Invitae Variant Classification Sherloc (09022015). Collection method: clinical testing. Allele origin: germline.
Comment: This sequence change replaces aspartic acid, which is acidic and polar, with asparagine, which is neutral and polar, at codon 350 of the LIG4 protein (p.Asp350Asn). This variant is not present in population databases (gnomAD no frequency). This variant has not been reported in the literature in individuals affected with LIG4-related conditions. Invitae Evidence Modeling of protein sequence and biophysical properties (such as structural, functional, and spatial information, amino acid conservation, physicochemical variation, residue mobility, and thermodynamic stability) has been performed for this missense variant. However, the output from this modeling did not meet the statistical confidence thresholds required to predict the impact of this variant on LIG4 protein function. In summary, the available evidence is currently insufficient to determine the role of this variant in disease. Therefore, it has been classified as a Variant of Uncertain Significance.

NM_206937.2(LIG4):c.1048G>A (p.Asp350Asn)

Gene: LIG4 (DNA ligase 4; minus strand). Cytogenetic location: 13q33.3.
Variant type: single nucleotide variant.
Coding change: c.1048G>A on transcript NM_206937.2 (MANE Select); coding-DNA position 1048, G replaced by A.
Protein change: p.Asp350Asn; replaces aspartic acid 350 with asparagine.
Molecular consequence: missense variant.
Genome position (GRCh38, 1-based): chr13:108,210,221, C>T on the plus strand (G>A on the coding strand, the complement: LIG4 is on the minus strand). VCF-style: chr13-108210221-C-T. GRCh37 (hg19) VCF-style: chr13-108862569-C-T.
Other names: c.1048G>A, p.Asp350Asn (NM_001098268.2, NM_001352598.2, NM_001352599.2 and 6 more transcripts); c.847G>A, p.Asp283Asn (NM_001330595.2); c.1084G>A, p.Asp362Asn (NM_001352604.2); short protein forms D362N, D350N, D283N.
Identifiers: ClinVar variation 4746018 (VCV004746018.1).
Genomic context (GRCh38, chr13:108,210,221, plus strand): 5'-ATACATCAAAAACACAATAACAAGTTTGCAGATCAGAATCCTCTACCATTCTTTTAATAT[C>T]AAACTTAGTTCCCTTTTGCATGAAAGTTTGTGTATTAGGATTATAGGCCATCATCTCACC-3'
Protein context (NP_996820.1, residues 340-360): QTFMQKGTKF[Asp350Asn]IKRMVEDSDL